The following is an entry in ClinVar:

NM_001080510.5(METTL23):c.127T>C (p.Cys43Arg)

Gene: METTL23 (methyltransferase 23, arginine; plus strand). Cytogenetic location: 17q25.1.
Variant type: single nucleotide variant.
Coding change: c.127T>C on transcript NM_001080510.5 (MANE Select); coding-DNA position 127, T replaced by C.
Protein change: p.Cys43Arg; replaces cysteine 43 with arginine.
Molecular consequence: missense variant. On other transcripts: 5 prime UTR variant (5).
Genome position (GRCh38, 1-based): chr17:76,733,020, T>C. VCF-style: chr17-76733020-T-C. GRCh37 (hg19) VCF-style: chr17-74729102-T-C.
Other names: c.127T>C, p.Cys43Arg (NM_001206983.3, NM_001206984.3, NM_001302703.2 and 2 more transcripts); c.-75T>C (NM_001206985.3, NM_001206986.3, NM_001206987.3 and 2 more transcripts); c.115T>C, p.Cys39Arg (NM_001302705.2, NM_001378350.1, NM_001378351.1 and 2 more transcripts); short protein forms C39R, C43R.
Identifiers: ClinVar variation 2442558 (VCV002442558.1), dbSNP rs369753822, ClinGen allele CA8790070.

ClinVar aggregate classification (germline): Uncertain significance (1 of 4 stars; one submission).

Allele frequency attached by ClinVar (database versions not stated): gnomAD exomes 0.00001; gnomAD 0.00002; TOPMed 0.00002; ExAC 0.00005; ESP Exome Variant Server 0.00008.
gnomAD v4.1: 22 of 1,594,354 alleles (0.0014%); highest among the groups gnomAD compares: Non-Finnish European, 0.0017%; no homozygotes.

Submission:

GeneDx
Classification: Uncertain significance. Last evaluated: 2022-09-01. Review status: criteria provided, single submitter. Criteria: GeneDx Variant Classification Process June 2021. Collection method: clinical testing. Allele origin: germline. Affected: yes.
Comment: In silico analysis supports that this missense variant has a deleterious effect on protein structure/function; Has not been previously published as pathogenic or benign to our knowledge